The following is an entry in ClinVar:

ClinVar aggregate classification (germline): Likely benign (1 of 4 stars; one submission).

Submission:

CeGaT Center for Human Genetics Tuebingen
Classification: Likely benign. Last evaluated: 2026-07-01. Review status: criteria provided, single submitter. Criteria: CeGaT Center For Human Genetics Tuebingen Variant Classification Criteria Version 2. Collection method: clinical testing. Allele origin: germline. Affected: yes. Observed: 1 variant allele.
Comment: FCGR3A: BP4

NM_000569.8(FCGR3A):c.581T>C (p.Leu194Ser)

Gene: FCGR3A (Fc gamma receptor IIIa; minus strand). Cytogenetic location: 1q23.3.
Variant type: single nucleotide variant.
Coding change: c.581T>C on transcript NM_000569.8 (MANE Select); coding-DNA position 581, T replaced by C.
Protein change: p.Leu194Ser; replaces leucine 194 with serine.
Molecular consequence: missense variant.
Genome position (GRCh38, 1-based): chr1:161,543,196, A>G on the plus strand (T>C on the coding strand, the complement: FCGR3A is on the minus strand). VCF-style: chr1-161543196-A-G. GRCh37 (hg19) VCF-style: chr1-161512986-A-G.
Other names: c.893T>C, p.Leu298Ser (NM_001127592.2); c.581T>C, p.Leu194Ser (NM_001127593.1, NM_001127595.2, NM_001329120.2); c.578T>C, p.Leu193Ser (NM_001127596.2, NM_001386450.1); c.638T>C, p.Leu213Ser (NM_001329122.1); short protein forms L193S, L194S, L213S, L298S.
Identifiers: ClinVar variation 5039260 (VCV005039260.1).
Genomic context (GRCh38, chr1:161,543,196, plus strand): 5'-ACCAAGCAGAAAGAGACTTGGTACCCAGGTGGAAAGAATGATGAGATGGTTGACACTGCC[A>G]AACCTATTAGGAGAAGTGGAGAGATGAAAAAAAATGACAGTCACTAAGGCAGATATTTGG-3'
Protein context (NP_000560.7, residues 184-204): ETVNITITQG[Leu194Ser]AVSTISSFFP